The following is an entry in ClinVar:

NM_014159.7(SETD2):c.6104A>T (p.Asn2035Ile)

Gene: SETD2 (SET domain containing 2, histone lysine methyltransferase; minus strand). Cytogenetic location: 3p21.31.
Variant type: single nucleotide variant.
Coding change: c.6104A>T on transcript NM_014159.7 (MANE Select); coding-DNA position 6104, A replaced by T.
Protein change: p.Asn2035Ile; replaces asparagine 2035 with isoleucine.
Molecular consequence: missense variant. On other transcripts: non-coding transcript variant (1).
Genome position (GRCh38, 1-based): chr3:47,067,075, T>A on the plus strand (A>T on the coding strand, the complement: SETD2 is on the minus strand). VCF-style: chr3-47067075-T-A. GRCh37 (hg19) VCF-style: chr3-47108565-T-A.
Other names: c.5972A>T, p.Asn1991Ile (NM_001349370.3); short protein forms N1991I, N2035I.
Identifiers: ClinVar variation 3343218 (VCV003343218.1).

ClinVar aggregate classification (germline): Uncertain significance (1 of 4 stars; one submission).

Submission:

GeneDx
Classification: Uncertain significance. Last evaluated: 2023-05-01. Review status: criteria provided, single submitter. Criteria: GeneDx Variant Classification Process June 2021. Collection method: clinical testing. Allele origin: germline. Affected: yes.
Comment: Not observed at significant frequency in large population cohorts (gnomAD); In silico analysis supports that this missense variant does not alter protein structure/function; Has not been previously published as pathogenic or benign to our knowledge